The following is an entry in ClinVar:

NM_000143.4(FH):c.47G>C (p.Arg16Pro)

Gene: FH (fumarate hydratase; minus strand). Cytogenetic location: 1q43.
Variant type: single nucleotide variant.
Coding change: c.47G>C on transcript NM_000143.4 (MANE Select); coding-DNA position 47, G replaced by C.
Protein change: p.Arg16Pro; replaces arginine 16 with proline.
Molecular consequence: missense variant.
Genome position (GRCh38, 1-based): chr1:241,519,676, C>G on the plus strand (G>C on the coding strand, the complement: FH is on the minus strand). VCF-style: chr1-241519676-C-G. GRCh37 (hg19) VCF-style: chr1-241682976-C-G.
Other names: short protein forms R16P.
Identifiers: ClinVar variation 825187 (VCV000825187.4), dbSNP rs762310232, ClinGen allele CA345442957.
Genomic context (GRCh38, chr1:241,519,676, plus strand): 5'-AACGAGGGCACGGCCGCGCCACCCAAGCCGGGAGCCGAAGCTAAGGCTGCGGCTGGAGCC[C>G]GCACGAGGGGACGCGAGCGCGCGAGGAGCCGAAGTGCTCGGTACATGGTGCTGAGGGAGC-3'
Protein context (NP_000134.2, residues 6-26): RLLARSRPLV[Arg16Pro]APAAALASAP

ClinVar aggregate classification (germline): Uncertain significance (1 of 4 stars; one submission).

Conditions:
Hereditary cancer-predisposing syndrome. Also called: Neoplastic Syndromes, Hereditary; Tumor predisposition; Hereditary neoplastic syndrome; Hereditary Cancer Syndrome. Identifiers: Orphanet 140162, MedGen C0027672, MeSH D009386, MONDO:0015356.

Submission:

Ambry Genetics
Classification: Uncertain significance for Hereditary cancer-predisposing syndrome. Last evaluated: 2019-11-25. Review status: criteria provided, single submitter. Criteria: Ambry Variant Classification Scheme 2023. Collection method: clinical testing. Allele origin: germline.
Comment: The p.R16P variant (also known as c.47G>C), located in coding exon 1 of the FH gene, results from a G to C substitution at nucleotide position 47. The arginine at codon 16 is replaced by proline, an amino acid with dissimilar properties. This amino acid position is well conserved in available vertebrate species. In addition, the in silico prediction for this alteration is inconclusive. Since supporting evidence is limited at this time, the clinical significance of this alteration remains unclear.